The following is an entry in ClinVar:

ClinVar aggregate classification (germline): Uncertain significance. Review status: criteria provided, multiple submitters, no conflicts (2 of 4 stars). 2 submissions from 2 submitters: Uncertain significance (2). Last evaluated 2024-03-19.

Conditions:
Hereditary cancer-predisposing syndrome. Also called: Hereditary neoplastic syndrome; Tumor predisposition; Hereditary Cancer Syndrome; Neoplastic Syndromes, Hereditary. Identifiers: Orphanet 140162, MedGen C0027672, MeSH D009386, MONDO:0015356.

Submissions (2):

Color Diagnostics, LLC DBA Color Health
Classification: Uncertain significance for Hereditary cancer-predisposing syndrome. Last evaluated: 2024-03-19. Review status: criteria provided, single submitter. Criteria: ACMG Guidelines, 2015. Collection method: clinical testing. Allele origin: germline.
Comment: This missense variant replaces phenylalanine with cysteine at codon 1005 of the BRCA2 protein. Computational prediction is inconclusive regarding the impact of this variant on protein structure and function. To our knowledge, functional studies have not been reported for this variant. This variant has not been reported in individuals affected with BRCA2-related disorders in the literature. This variant has not been identified in the general population by the Genome Aggregation Database (gnomAD). The available evidence is insufficient to determine the role of this variant in disease conclusively. Therefore, this variant is classified as a Variant of Uncertain Significance.

Ambry Genetics
Classification: Uncertain significance for Hereditary cancer-predisposing syndrome. Last evaluated: 2023-06-21. Review status: criteria provided, single submitter. Criteria: Ambry Variant Classification Scheme 2023. Collection method: clinical testing. Allele origin: germline.
Comment: The p.F1005C variant (also known as c.3014T>G), located in coding exon 10 of the BRCA2 gene, results from a T to G substitution at nucleotide position 3014. The phenylalanine at codon 1005 is replaced by cysteine, an amino acid with highly dissimilar properties. This amino acid position is conserved. In addition, the in silico prediction for this alteration is inconclusive. Since supporting evidence is limited at this time, the clinical significance of this alteration remains unclear.

NM_000059.4(BRCA2):c.3014T>G (p.Phe1005Cys)

Gene: BRCA2 (BRCA2 DNA repair associated; plus strand). Cytogenetic location: 13q13.1.
Variant type: single nucleotide variant.
Coding change: c.3014T>G on transcript NM_000059.4 (MANE Select); coding-DNA position 3014, T replaced by G.
Protein change: p.Phe1005Cys; replaces phenylalanine 1005 with cysteine.
Molecular consequence: missense variant. On other transcripts: non-coding transcript variant (1), intron variant (2).
Genome position (GRCh38, 1-based): chr13:32,337,369, T>G. VCF-style: chr13-32337369-T-G. GRCh37 (hg19) VCF-style: chr13-32911506-T-G.
Other names: c.3014T>G, p.Phe1005Cys (NM_001406719.1, NM_001406720.1); c.1909+3982T>G (NM_001406721.1); c.424+6339T>G (NM_001406722.1); short protein forms F1005C.
Identifiers: ClinVar variation 2586272 (VCV002586272.3), dbSNP rs2072470533, ClinGen allele CA387774793.
Genomic context (GRCh38, chr13:32,337,369, plus strand): 5'-AAAATAATGATTACATGAACAAATGGGCAGGACTCTTAGGTCCAATTTCAAATCACAGTT[T>G]TGGAGGTAGCTTCAGAACAGCTTCAAATAAGGAAATCAAGCTCTCTGAACATAACATTAA-3'
Protein context (NP_000050.3, residues 995-1015): GLLGPISNHS[Phe1005Cys]GGSFRTASNK